The following is an entry in ClinVar:

ClinVar aggregate classification (germline): Uncertain significance (1 of 4 stars; one submission).

Allele frequency attached by ClinVar (database versions not stated): gnomAD exomes below 0.00001; ExAC 0.00001; TOPMed 0.00001 and 0.00002.
gnomAD v4.1: 1 of 1,613,274 alleles (0.000062%); highest among the groups gnomAD compares: East Asian, 0.0022%; no homozygotes.

Submission:

GeneDx
Classification: Uncertain significance. Last evaluated: 2017-06-13. Review status: criteria provided, single submitter. Criteria: GeneDx Variant Classification (06012015). Collection method: clinical testing. Allele origin: germline. Affected: yes.
Comment: A variant of uncertain significance has been identified in the MBD5 gene. The V137I variant has not been published as a pathogenic variant, nor has it been reported as a benign variant to our knowledge. The V137I variant is not observed at a significant frequency in large population cohorts (Lek et al., 2016; 1000 Genomes Consortium et al., 2015; Exome Variant Server). The V137I variant is a conservative amino acid substitution, which is not likely to impact secondary protein structure as these residues share similar properties. This substitution occurs at a position where amino acids with similar properties to Valine are tolerated across species. Additionally, to our knowledge, only loss-of-function pathogenic variants in MBD5 have been published in association with epilepsy. However, in silico analysis is inconsistent in its predictions as to whether or not the variant is damaging to the protein structure/function. Therefore, based on the currently available information, it is unclear whether this variant is a pathogenic variant or a rare benign variant.

NM_001378120.1(MBD5):c.409G>A (p.Val137Ile)

Gene: MBD5 (methyl-CpG binding domain protein 5; plus strand). Cytogenetic location: 2q23.1.
Variant type: single nucleotide variant.
Coding change: c.409G>A on transcript NM_001378120.1 (MANE Select); coding-DNA position 409, G replaced by A.
Protein change: p.Val137Ile; replaces valine 137 with isoleucine.
Molecular consequence: missense variant.
Genome position (GRCh38, 1-based): chr2:148,468,352, G>A. VCF-style: chr2-148468352-G-A. GRCh37 (hg19) VCF-style: chr2-149225921-G-A.
Other names: c.409G>A, p.Val137Ile (NM_018328.5); short protein forms V137I.
Identifiers: ClinVar variation 432737 (VCV000432737.2), dbSNP rs752962199, ClinGen allele CA1899882.